The following is an entry in ClinVar:

NM_001330078.2(NRXN1):c.53T>A (p.Leu18Gln)

Gene: NRXN1 (neurexin 1; minus strand). Cytogenetic location: 2p16.3.
Variant type: single nucleotide variant.
Coding change: c.53T>A on transcript NM_001330078.2 (MANE Select); coding-DNA position 53, T replaced by A.
Protein change: p.Leu18Gln; replaces leucine 18 with glutamine.
Molecular consequence: missense variant.
Genome position (GRCh38, 1-based): chr2:51,028,221, A>T on the plus strand (T>A on the coding strand, the complement: NRXN1 is on the minus strand). VCF-style: chr2-51028221-A-T. GRCh37 (hg19) VCF-style: chr2-51255359-A-T.
Other names: c.53T>A, p.Leu18Gln (NM_001135659.3, NM_001330077.2, NM_001330079.2 and 15 more transcripts); short protein forms L18Q.
Identifiers: ClinVar variation 4746979 (VCV004746979.1).

ClinVar aggregate classification (germline): Uncertain significance (1 of 4 stars; one submission).

Conditions:
Pitt-Hopkins-like syndrome 2 (PTHSL2). Identifiers: Orphanet 221150, Orphanet 600663, MedGen C3280479, MONDO:0013690, OMIM 614325.

Submission:

Labcorp Genetics (formerly Invitae), Labcorp
Classification: Uncertain significance for Pitt-Hopkins-like syndrome 2. Last evaluated: 2025-07-07. Review status: criteria provided, single submitter. Criteria: Invitae Variant Classification Sherloc (09022015). Collection method: clinical testing. Allele origin: germline.
Comment: This sequence change replaces leucine, which is neutral and non-polar, with glutamine, which is neutral and polar, at codon 18 of the NRXN1 protein (p.Leu18Gln). This variant is not present in population databases (gnomAD no frequency). This missense change has been observed in individual(s) with autism spectrum disorder (PMID: 18179900). An algorithm developed to predict the effect of missense changes on protein structure and function (PolyPhen-2) suggests that this variant is likely to be tolerated. In summary, the available evidence is currently insufficient to determine the role of this variant in disease. Therefore, it has been classified as a Variant of Uncertain Significance.

Literature cited by the submitters: PubMed 18179900.